The following is an entry in ClinVar:

ClinVar aggregate classification (germline): Conflicting classifications of pathogenicity. Review status: criteria provided, conflicting classifications (1 of 4 stars). 3 submissions from 3 submitters: Uncertain significance (2); Likely benign (1). Last evaluated 2025-09-24.

Conditions:
Hypertrophic cardiomyopathy 14. Identifiers: MedGen C2750467, MONDO:0013197, OMIM 613251.
Cardiovascular phenotype. Identifiers: MedGen CN230736.

Allele frequency attached by ClinVar (database versions not stated): TOPMed 0.00008.
gnomAD v4.1: 30 of 1,601,362 alleles (0.0019%); highest among the groups gnomAD compares: Admixed American, 0.051%; no homozygotes.

Submissions (3):

Labcorp Genetics (formerly Invitae), Labcorp
Classification: Likely benign for Hypertrophic cardiomyopathy 14. Last evaluated: 2025-09-24. Review status: criteria provided, single submitter. Criteria: Invitae Variant Classification Sherloc (09022015). Collection method: clinical testing. Allele origin: germline.

Ambry Genetics
Classification: Uncertain significance for Cardiovascular phenotype. Last evaluated: 2021-08-23. Review status: criteria provided, single submitter. Criteria: Ambry Variant Classification Scheme 2023. Collection method: clinical testing. Allele origin: germline.
Comment: The p.R1195S variant (also known as c.3583C>A), located in coding exon 24 of the MYH6 gene, results from a C to A substitution at nucleotide position 3583. The arginine at codon 1195 is replaced by serine, an amino acid with dissimilar properties. This amino acid position is highly conserved in available vertebrate species. In addition, this alteration is predicted to be deleterious by in silico analysis. Since supporting evidence is limited at this time, the clinical significance of this alteration remains unclear.

GeneDx
Classification: Uncertain significance. Last evaluated: 2021-06-25. Review status: criteria provided, single submitter. Criteria: GeneDx Variant Classification Process June 2021. Collection method: clinical testing. Allele origin: germline. Affected: yes.
Comment: Has not been previously published as pathogenic or benign to our knowledge; Reported in ClinVar as a variant of uncertain significance (ClinVar Variant ID# 860191; Landrum et al., 2016); In silico analysis supports that this missense variant has a deleterious effect on protein structure/function; This variant is associated with the following publications: (PMID: 26582918, 27535533)

NM_002471.4(MYH6):c.3583C>A (p.Arg1195Ser)

Gene: MYH6 (myosin heavy chain 6; minus strand). Cytogenetic location: 14q11.2.
Variant type: single nucleotide variant.
Coding change: c.3583C>A on transcript NM_002471.4 (MANE Select); coding-DNA position 3583, C replaced by A.
Protein change: p.Arg1195Ser; replaces arginine 1195 with serine.
Molecular consequence: missense variant.
Genome position (GRCh38, 1-based): chr14:23,390,206, G>T on the plus strand (C>A on the coding strand, the complement: MYH6 is on the minus strand). VCF-style: chr14-23390206-G-T. GRCh37 (hg19) VCF-style: chr14-23859415-G-T.
Other names: short protein forms R1195S.
Identifiers: ClinVar variation 860191 (VCV000860191.13), dbSNP rs769756450, ClinGen allele CA7115136.